The following is an entry in ClinVar:

NM_198578.4(LRRK2):c.851A>G (p.Asn284Ser)

Gene: LRRK2 (leucine rich repeat kinase 2; plus strand). Cytogenetic location: 12q12.
Variant type: single nucleotide variant.
Coding change: c.851A>G on transcript NM_198578.4 (MANE Select); coding-DNA position 851, A replaced by G.
Protein change: p.Asn284Ser; replaces asparagine 284 with serine.
Molecular consequence: missense variant.
Genome position (GRCh38, 1-based): chr12:40,249,838, A>G. VCF-style: chr12-40249838-A-G. GRCh37 (hg19) VCF-style: chr12-40643640-A-G.
Other names: short protein forms N284S.
Identifiers: ClinVar variation 1483305 (VCV001483305.8), dbSNP rs745619837, ClinGen allele CA6513224.

ClinVar aggregate classification (germline): Uncertain significance. Review status: criteria provided, multiple submitters, no conflicts (2 of 4 stars). 2 submissions from 2 submitters: Uncertain significance (2). Last evaluated 2025-03-12.

Conditions:
Inborn genetic diseases. Identifiers: MedGen C0950123, MeSH D030342.
Autosomal dominant Parkinson disease 8. Also called: Parkinson disease 8, susceptibility to; LRRK2-Related Parkinson Disease; Parkinson disease 8. Identifiers: Orphanet 411602, MedGen C1846862, MONDO:0011764, OMIM 607060.

Allele frequency attached by ClinVar (database versions not stated): gnomAD exomes below 0.00001 and 0.00001; TOPMed below 0.00001; ExAC 0.00001; gnomAD 0.00001.
gnomAD v4.1: 3 of 1,613,614 alleles (0.00019%); highest among the groups gnomAD compares: East Asian, 0.0045%; no homozygotes.

Submissions (2):

Labcorp Genetics (formerly Invitae), Labcorp
Classification: Uncertain significance for Autosomal dominant Parkinson disease 8. Last evaluated: 2025-03-12. Review status: criteria provided, single submitter. Criteria: Invitae Variant Classification Sherloc (09022015). Collection method: clinical testing. Allele origin: germline.
Comment: This sequence change replaces asparagine, which is neutral and polar, with serine, which is neutral and polar, at codon 284 of the LRRK2 protein (p.Asn284Ser). The frequency data for this variant in the population databases is considered unreliable, as metrics indicate poor data quality at this position in the gnomAD database. This missense change has been observed in individual(s) with early onset Parkinson disease (PMID: 32677286, 35861376). ClinVar contains an entry for this variant (Variation ID: 1483305). Invitae Evidence Modeling of protein sequence and biophysical properties (such as structural, functional, and spatial information, amino acid conservation, physicochemical variation, residue mobility, and thermodynamic stability) has been performed for this missense variant. However, the output from this modeling did not meet the statistical confidence thresholds required to predict the impact of this variant on LRRK2 protein function. In summary, the available evidence is currently insufficient to determine the role of this variant in disease. Therefore, it has been classified as a Variant of Uncertain Significance.

Ambry Genetics
Classification: Uncertain significance for Inborn genetic diseases. Last evaluated: 2021-06-20. Review status: criteria provided, single submitter. Criteria: Ambry Variant Classification Scheme 2023. Collection method: clinical testing. Allele origin: germline.
Comment: The p.N284S variant (also known as c.851A>G), located in coding exon 8 of the LRRK2 gene, results from an A to G substitution at nucleotide position 851. The asparagine at codon 284 is replaced by serine, an amino acid with highly similar properties. This amino acid position is conserved. In addition, this alteration is predicted to be tolerated by in silico analysis. Since supporting evidence is limited at this time, the clinical significance of this alteration remains unclear.

Literature cited by the submitters: PubMed 32677286 (cited by Labcorp Genetics (formerly Invitae), Labcorp); PubMed 35861376 (cited by Labcorp Genetics (formerly Invitae), Labcorp).